The following is an entry in ClinVar:

NM_025193.4(HSD3B7):c.618C>G (p.Tyr206Ter)

Gene: HSD3B7 (hydroxy-delta-5-steroid dehydrogenase, 3 beta- and steroid delta-isomerase 7; plus strand). Cytogenetic location: 16p11.2.
Variant type: single nucleotide variant.
Coding change: c.618C>G on transcript NM_025193.4 (MANE Select); coding-DNA position 618, C replaced by G.
Protein change: p.Tyr206Ter; replaces tyrosine 206 with a stop codon.
Molecular consequence: nonsense. On other transcripts: intron variant (2).
Genome position (GRCh38, 1-based): chr16:30,986,926, C>G. VCF-style: chr16-30986926-C-G. GRCh37 (hg19) VCF-style: chr16-30998247-C-G.
Other names: c.531+222C>G (NM_001142777.2, NM_001142778.2); short protein forms Y206*.
Identifiers: ClinVar variation 2697513 (VCV002697513.3), dbSNP rs376562345, ClinGen allele CA395641526.

ClinVar aggregate classification (germline): Pathogenic (1 of 4 stars; one submission).

gnomAD v4.1: 1 of 1,613,796 alleles (0.000062%); highest among the groups gnomAD compares: South Asian, 0.0011%; no homozygotes.

Submission:

Labcorp Genetics (formerly Invitae), Labcorp
Classification: Pathogenic. Last evaluated: 2023-11-19. Review status: criteria provided, single submitter. Criteria: Invitae Variant Classification Sherloc (09022015). Collection method: clinical testing. Allele origin: germline.
Comment: This sequence change creates a premature translational stop signal (p.Tyr206*) in the HSD3B7 gene. It is expected to result in an absent or disrupted protein product. Loss-of-function variants in HSD3B7 are known to be pathogenic (PMID: 12679481). This variant is present in population databases (no rsID available, gnomAD 0.003%). This variant has not been reported in the literature in individuals affected with HSD3B7-related conditions. For these reasons, this variant has been classified as Pathogenic.

Literature cited by the submitters: PubMed 12679481.